The following is an entry in ClinVar:

ClinVar aggregate classification (germline): Uncertain significance. Review status: criteria provided, multiple submitters, no conflicts (2 of 4 stars). 5 submissions from 5 submitters: Uncertain significance (5). Last evaluated 2026-04-08.

Conditions:
Hearing impairment. Also called: Impaired Hearing. Identifiers: MedGen C1384666, MONDO:0005365, HP:0000365.
TJP2-related disorder. Also called: TJP2-related condition.

Allele frequency attached by ClinVar (database versions not stated): TOPMed 0.00009; gnomAD 0.00010 and 0.00011; gnomAD exomes 0.00012 and 0.00014; ESP Exome Variant Server 0.00015; ExAC 0.00023.
gnomAD v4.1: 218 of 1,611,328 alleles (0.014%); highest among the groups gnomAD compares: Middle Eastern, 0.12%; no homozygotes.

Submissions (5):

PreventionGenetics, part of Exact Sciences
Classification: Uncertain significance for TJP2-related condition. Last evaluated: 2026-04-08. Review status: criteria provided, single submitter. Criteria: ACMG Guidelines, 2015. Collection method: clinical testing. Allele origin: germline.
Comment: The TJP2 c.2909G>A variant is predicted to result in the amino acid substitution p.Arg970Gln. To our knowledge, this variant has not been reported in the literature. This variant is reported in 0.025% of alleles in individuals of European (Non-Finnish) descent in gnomAD. At this time, the clinical significance of this variant is uncertain due to the absence of conclusive functional and genetic evidence.

GeneDx
Classification: Uncertain significance. Last evaluated: 2025-08-18. Review status: criteria provided, single submitter. Criteria: GeneDx Variant Classification Process June 2021. Collection method: clinical testing. Allele origin: germline. Affected: yes.
Comment: Reported as heterozygous in a child with hearing loss evaluated by a hearing loss panel (PMID: 34753855); Reported in a patient with chronic jaundice in published literature (Ting GE et al. (2021) J Clin Pediatr. 39 (1):13); In silico analysis suggests that this missense variant does not alter protein structure/function; This variant is associated with the following publications: (PMID: 34753855, Ting[2021]CaseReport)

Blueprint Genetics
Classification: Uncertain significance. Last evaluated: 2024-11-26. Review status: criteria provided, single submitter. Criteria: ACMG Guidelines, 2015. Collection method: clinical testing. Allele origin: germline.

Labcorp Genetics (formerly Invitae), Labcorp
Classification: Uncertain significance. Last evaluated: 2024-08-20. Review status: criteria provided, single submitter. Criteria: Invitae Variant Classification Sherloc (09022015). Collection method: clinical testing. Allele origin: germline.
Comment: This sequence change replaces arginine, which is basic and polar, with glutamine, which is neutral and polar, at codon 970 of the TJP2 protein (p.Arg970Gln). This variant is present in population databases (rs150494393, gnomAD 0.03%). This variant has not been reported in the literature in individuals affected with TJP2-related conditions. ClinVar contains an entry for this variant (Variation ID: 367231). An algorithm developed to predict the effect of missense changes on protein structure and function outputs the following: PolyPhen-2: "Benign". The glutamine amino acid residue is found in multiple mammalian species, which suggests that this missense change does not adversely affect protein function. In summary, the available evidence is currently insufficient to determine the role of this variant in disease. Therefore, it has been classified as a Variant of Uncertain Significance.

Department of Otolaryngology – Head & Neck Surgery, Cochlear Implant Center
Classification: Uncertain significance for Hearing impairment. Last evaluated: 2021-04-12. Review status: criteria provided, single submitter. Criteria: ClinGen HL ACMG Specifications v1. Collection method: clinical testing. Allele origin: germline. Affected: yes.
Comment: PM2_Moderate, BP4_Supporting

NM_004817.4(TJP2):c.2909G>A (p.Arg970Gln)

Gene: TJP2 (tight junction protein 2; plus strand). Cytogenetic location: 9q21.11.
Variant type: single nucleotide variant.
Coding change: c.2909G>A on transcript NM_004817.4 (MANE Select); coding-DNA position 2909, G replaced by A.
Protein change: p.Arg970Gln; replaces arginine 970 with glutamine.
Molecular consequence: missense variant. On other transcripts: intron variant (6).
Genome position (GRCh38, 1-based): chr9:69,249,403, G>A. VCF-style: chr9-69249403-G-A. GRCh37 (hg19) VCF-style: chr9-71864319-G-A.
Other names: c.2909G>A, p.Arg970Gln (LRG_1201t1); c.3002G>A, p.Arg1001Gln (NM_001170416.2); c.2834G>A, p.Arg945Gln (NM_001369870.1); c.2840G>A, p.Arg947Gln (NM_001369871.1); c.2921G>A, p.Arg974Gln (NM_001369875.1); c.2811+1179G>A (NM_001170414.2); c.2880+1179G>A (NM_201629.3, NM_001369872.1); c.2668-1632G>A (NM_001369873.1); and 1 more; short protein forms R970Q, R1001Q, R947Q, R945Q, R974Q.
Identifiers: ClinVar variation 367231 (VCV000367231.15), dbSNP rs150494393, ClinGen allele CA5073823.
Genomic context (GRCh38, chr9:69,249,403, plus strand): 5'-TCTTGTTGTGAATGAACCTTTATGTCTTGTAGAGCATAAGGAAACCCAGCCCAGAGCCAC[G>A]AGCTCAGATGAGGAGGGCTGCTAGCAGCGATCAACTTAGGGACAATAGCCCGCCCCCAGC-3'
Protein context (NP_004808.2, residues 960-980): ESIRKPSPEP[Arg970Gln]AQMRRAASSD